The following is an entry in ClinVar:

ClinVar aggregate classification (germline): Uncertain significance (1 of 4 stars; one submission).

Conditions:
Hereditary breast ovarian cancer syndrome. Also called: Hereditary breast and ovarian cancer syndrome; Hereditary breast and ovarian cancer syndrome (HBOC); Hereditary breast and/or ovarian cancer syndrome; Hereditary breast and ovarian cancer; Breast and ovarian cancer; BRCA1- and BRCA2-Associated Hereditary Breast and Ovarian Cancer. Identifiers: Orphanet 145, MedGen C0677776, MeSH D061325, MONDO:0003582. Disease mechanism: loss of function.

Submission:

Labcorp Genetics (formerly Invitae), Labcorp
Classification: Uncertain significance for Hereditary breast ovarian cancer syndrome. Last evaluated: 2023-06-11. Review status: criteria provided, single submitter. Criteria: Invitae Variant Classification Sherloc (09022015). Collection method: clinical testing. Allele origin: germline.
Comment: In summary, the available evidence is currently insufficient to determine the role of this variant in disease. Therefore, it has been classified as a Variant of Uncertain Significance. Advanced modeling of protein sequence and biophysical properties (such as structural, functional, and spatial information, amino acid conservation, physicochemical variation, residue mobility, and thermodynamic stability) performed at Invitae indicates that this missense variant is not expected to disrupt BRCA2 protein function. This missense change has been observed in individual(s) with prostate cancer (PMID: 12747142). This variant is not present in population databases (gnomAD no frequency). This sequence change replaces leucine, which is neutral and non-polar, with phenylalanine, which is neutral and non-polar, at codon 1457 of the BRCA2 protein (p.Leu1457Phe).

Literature cited by the submitters: PubMed 12747142.

NM_000059.4(BRCA2):c.4371G>T (p.Leu1457Phe)

Gene: BRCA2 (BRCA2 DNA repair associated; plus strand). Cytogenetic location: 13q13.1.
Variant type: single nucleotide variant.
Coding change: c.4371G>T on transcript NM_000059.4 (MANE Select); coding-DNA position 4371, G replaced by T.
Protein change: p.Leu1457Phe; replaces leucine 1457 with phenylalanine.
Molecular consequence: missense variant. On other transcripts: non-coding transcript variant (1), intron variant (2).
Genome position (GRCh38, 1-based): chr13:32,338,726, G>T. VCF-style: chr13-32338726-G-T. GRCh37 (hg19) VCF-style: chr13-32912863-G-T.
Other names: c.4371G>T, p.Leu1457Phe (NM_001406719.1, NM_001406720.1); c.1909+5339G>T (NM_001406721.1); c.425-5832G>T (NM_001406722.1); short protein forms L1457F.
Identifiers: ClinVar variation 2711242 (VCV002711242.3), dbSNP rs755130086, ClinGen allele CA387781004.